The following is an entry in ClinVar:

NM_182972.3(IRF2BP2):c.1178C>T (p.Pro393Leu)

Gene: IRF2BP2 (interferon regulatory factor 2 binding protein 2; minus strand). Cytogenetic location: 1q42.3.
Variant type: single nucleotide variant.
Coding change: c.1178C>T on transcript NM_182972.3 (MANE Select); coding-DNA position 1178, C replaced by T.
Protein change: p.Pro393Leu; replaces proline 393 with leucine.
Molecular consequence: missense variant.
Genome position (GRCh38, 1-based): chr1:234,607,723, G>A on the plus strand (C>T on the coding strand, the complement: IRF2BP2 is on the minus strand). VCF-style: chr1-234607723-G-A. GRCh37 (hg19) VCF-style: chr1-234743469-G-A.
Other names: c.1130C>T, p.Pro377Leu (NM_001077397.1); short protein forms P377L, P393L.
Identifiers: ClinVar variation 4698750 (VCV004698750.1).

ClinVar aggregate classification (germline): Uncertain significance (1 of 4 stars; one submission).

Submission:

Labcorp Genetics (formerly Invitae), Labcorp
Classification: Uncertain significance. Last evaluated: 2025-06-11. Review status: criteria provided, single submitter. Criteria: Invitae Variant Classification Sherloc (09022015). Collection method: clinical testing. Allele origin: germline.
Comment: This sequence change replaces proline, which is neutral and non-polar, with leucine, which is neutral and non-polar, at codon 393 of the IRF2BP2 protein (p.Pro393Leu). This variant is present in population databases (no rsID available, gnomAD 0.007%). This variant has not been reported in the literature in individuals affected with IRF2BP2-related conditions. An algorithm developed to predict the effect of missense changes on protein structure and function (PolyPhen-2) suggests that this variant is likely to be disruptive. In summary, the available evidence is currently insufficient to determine the role of this variant in disease. Therefore, it has been classified as a Variant of Uncertain Significance.